The following is an entry in ClinVar:

ClinVar aggregate classification (germline): Conflicting classifications of pathogenicity. Review status: criteria provided, conflicting classifications (1 of 4 stars). 2 submissions from 2 submitters: Uncertain significance (1); Likely benign (1). Last evaluated 2024-05-23.

Conditions:
Primary ciliary dyskinesia. Also called: Ciliary dyskinesia. Identifiers: Orphanet 244, MedGen C0008780, MONDO:0016575, HP:0012265.

Submissions (2):

Labcorp Genetics (formerly Invitae), Labcorp
Classification: Uncertain significance for Primary ciliary dyskinesia. Last evaluated: 2024-05-23. Review status: criteria provided, single submitter. Criteria: Invitae Variant Classification Sherloc (09022015). Collection method: clinical testing. Allele origin: germline.
Comment: This variant, c.2670_2693del, results in the deletion of 8 amino acid(s) of the RPGR (ORF15) protein (p.Gly891_Glu898del), but otherwise preserves the integrity of the reading frame. This variant is not present in population databases (gnomAD no frequency). This variant has not been reported in the literature in individuals affected with RPGR (ORF15)-related conditions. Experimental studies and prediction algorithms are not available or were not evaluated, and the functional significance of this variant is currently unknown. In summary, the available evidence is currently insufficient to determine the role of this variant in disease. Therefore, it has been classified as a Variant of Uncertain Significance.

Blueprint Genetics
Classification: Likely benign. Last evaluated: 2023-12-19. Review status: criteria provided, single submitter. Criteria: ACMG Guidelines, 2015. Collection method: clinical testing. Allele origin: germline.

NM_001034853.2(RPGR):c.2646AGGAGAAGGGGAGGGAGAAGAGGA[1] (p.883GEGEGEEE[1])

Gene: RPGR (retinitis pigmentosa GTPase regulator; minus strand). Cytogenetic location: Xp11.4.
Variant type: Microsatellite.
Coding change: c.2646AGGAGAAGGGGAGGGAGAAGAGGA[1] on transcript NM_001034853.2 (MANE Select); one copy of the 24-base unit AGGAGAAGGGGAGGGAGAAGAGGA starting at c.2646; the reference has two copies in a row; one copy, 24 bases deleted.
Protein change: p.883GEGEGEEE[1].
Molecular consequence: inframe deletion. On other transcripts: intron variant (8).
Genome position (GRCh38, 1-based): chrX:38,286,306-38,286,329, TCCTCTTCTCCCTCCCCTTCTCCT deleted on the plus strand (AGGAGAAGGGGAGGGAGAAGAGGA on the coding strand, the reverse complement: RPGR is on the minus strand); deleting any 24 consecutive bases within chrX:38,286,306-38,286,358 gives the same sequence; the position shown is the placement nearest the transcript's 3' end. VCF-style (leftmost placement, unchanged base first): chrX-38286305-CTCCTCTTCTCCCTCCCCTTCTCCT-C. GRCh37 (hg19) VCF-style: chrX-38145558-CTCCTCTTCTCCCTCCCCTTCTCCT-C.
Other names: c.1569+4630_1569+4653del (NM_001367249.1, NM_001367250.1); c.1902+765_1902+788del (NM_001367245.1); c.1386+4630_1386+4653del (NM_001367251.1); c.1719+765_1719+788del (NM_001367246.1); c.1572+4630_1572+4653del (NM_001367247.1); c.1905+765_1905+788del (NM_000328.3); c.1602+4630_1602+4653del (NM_001367248.1).
Identifiers: ClinVar variation 2421062 (VCV002421062.15), dbSNP rs756520886, ClinGen allele CA2580616982.
Genomic context (GRCh38, chrX:38,286,305, plus strand): 5'-TTCTCCTTCCTCCTCTTCTCCCTCCCCTTCTCCTTCCTCTTCTCCCTCCCCTTCTCCTTC[CTCCTCTTCTCCCTCCCCTTCTCCT>C]TCCTCTTCTCCCTCCCCTTCTCCTTCCTCCTCTTCCCCCTCCCCTTCTCCTTCCTCCCCT-3'